The following is an entry in ClinVar:

ClinVar aggregate classification (germline): Uncertain significance (1 of 4 stars; one submission).

gnomAD v4.1: 8 of 1,609,804 alleles (0.0005%); highest among the groups gnomAD compares: African/African-American, 0.011%; no homozygotes.

Submission:

Labcorp Genetics (formerly Invitae), Labcorp
Classification: Uncertain significance. Last evaluated: 2024-02-05. Review status: criteria provided, single submitter. Criteria: Invitae Variant Classification Sherloc (09022015). Collection method: clinical testing. Allele origin: germline.
Comment: This sequence change replaces arginine, which is basic and polar, with leucine, which is neutral and non-polar, at codon 416 of the COQ8A protein (p.Arg416Leu). The frequency data for this variant in the population databases is considered unreliable, as metrics indicate poor data quality at this position in the gnomAD database. This variant has not been reported in the literature in individuals affected with COQ8A-related conditions. ClinVar contains an entry for this variant (Variation ID: 1917253). Advanced modeling of protein sequence and biophysical properties (such as structural, functional, and spatial information, amino acid conservation, physicochemical variation, residue mobility, and thermodynamic stability) performed at Invitae indicates that this missense variant is not expected to disrupt COQ8A protein function with a negative predictive value of 95%. In summary, the available evidence is currently insufficient to determine the role of this variant in disease. Therefore, it has been classified as a Variant of Uncertain Significance.

NM_020247.5(COQ8A):c.1247G>T (p.Arg416Leu)

Gene: COQ8A (coenzyme Q8A; plus strand). Cytogenetic location: 1q42.13.
Variant type: single nucleotide variant.
Coding change: c.1247G>T on transcript NM_020247.5 (MANE Select); coding-DNA position 1247, G replaced by T.
Protein change: p.Arg416Leu; replaces arginine 416 with leucine.
Molecular consequence: missense variant.
Genome position (GRCh38, 1-based): chr1:226,983,845, G>T. VCF-style: chr1-226983845-G-T. GRCh37 (hg19) VCF-style: chr1-227171546-G-T.
Other names: short protein forms R416L.
Identifiers: ClinVar variation 1917253 (VCV001917253.4), dbSNP rs767899984, ClinGen allele CA1425377.